The following is an entry in ClinVar:

NM_001486.4(GCKR):c.1741C>T (p.Arg581Trp)

Gene: GCKR (glucokinase regulator; plus strand). Cytogenetic location: 2p23.3.
Variant type: single nucleotide variant.
Coding change: c.1741C>T on transcript NM_001486.4 (MANE Select); coding-DNA position 1741, C replaced by T.
Protein change: p.Arg581Trp; replaces arginine 581 with tryptophan.
Molecular consequence: missense variant.
Genome position (GRCh38, 1-based): chr2:27,523,302, C>T. VCF-style: chr2-27523302-C-T. GRCh37 (hg19) VCF-style: chr2-27746169-C-T.
Other names: short protein forms R581W.
Identifiers: ClinVar variation 2292690 (VCV002292690.6), dbSNP rs755324662, ClinGen allele CA1582108.

ClinVar aggregate classification (germline): Uncertain significance. Review status: criteria provided, multiple submitters, no conflicts (2 of 4 stars). 2 submissions from 2 submitters: Uncertain significance (2). Last evaluated 2025-04-19.

Allele frequency attached by ClinVar (database versions not stated): ExAC 0.00003; gnomAD 0.00003; gnomAD exomes 0.00003; TOPMed 0.00005.

Submissions (2):

Ambry Genetics
Classification: Uncertain significance. Last evaluated: 2025-04-19. Review status: criteria provided, single submitter. Criteria: Ambry Variant Classification Scheme 2023. Collection method: clinical testing. Allele origin: germline.

Labcorp Genetics (formerly Invitae), Labcorp
Classification: Uncertain significance. Last evaluated: 2023-03-08. Review status: criteria provided, single submitter. Criteria: Invitae Variant Classification Sherloc (09022015). Collection method: clinical testing. Allele origin: germline.
Comment: In summary, the available evidence is currently insufficient to determine the role of this variant in disease. Therefore, it has been classified as a Variant of Uncertain Significance. An algorithm developed to predict the effect of missense changes on protein structure and function (PolyPhen-2) suggests that this variant is likely to be disruptive. ClinVar contains an entry for this variant (Variation ID: 2292690). This variant has not been reported in the literature in individuals affected with GCKR-related conditions. This variant is present in population databases (rs755324662, gnomAD 0.04%). This sequence change replaces arginine, which is basic and polar, with tryptophan, which is neutral and slightly polar, at codon 581 of the GCKR protein (p.Arg581Trp).